The following is an entry in ClinVar:

ClinVar aggregate classification (germline): Uncertain significance (1 of 4 stars; one submission).

Conditions:
Hereditary cancer-predisposing syndrome. Also called: Neoplastic Syndromes, Hereditary; Tumor predisposition; Hereditary neoplastic syndrome; Hereditary Cancer Syndrome. Identifiers: Orphanet 140162, MedGen C0027672, MeSH D009386, MONDO:0015356.

Submission:

Ambry Genetics
Classification: Uncertain significance for Hereditary cancer-predisposing syndrome. Last evaluated: 2024-02-20. Review status: criteria provided, single submitter. Criteria: Ambry Variant Classification Scheme 2023. Collection method: clinical testing. Allele origin: germline.
Comment: The p.A308G variant (also known as c.923C>G), located in coding exon 4 of the PALB2 gene, results from a C to G substitution at nucleotide position 923. The alanine at codon 308 is replaced by glycine, an amino acid with similar properties. This amino acid position is conserved. In addition, this alteration is predicted to be tolerated by in silico analysis. Based on the available evidence, the clinical significance of this alteration remains unclear.

NM_024675.4(PALB2):c.923C>G (p.Ala308Gly)

Gene: PALB2 (partner and localizer of BRCA2; minus strand). Cytogenetic location: 16p12.2.
Variant type: single nucleotide variant.
Coding change: c.923C>G on transcript NM_024675.4 (MANE Select); coding-DNA position 923, C replaced by G.
Protein change: p.Ala308Gly; replaces alanine 308 with glycine.
Molecular consequence: missense variant. On other transcripts: intron variant (3).
Genome position (GRCh38, 1-based): chr16:23,635,623, G>C on the plus strand (C>G on the coding strand, the complement: PALB2 is on the minus strand). VCF-style: chr16-23635623-G-C. GRCh37 (hg19) VCF-style: chr16-23646944-G-C.
Other names: c.863C>G, p.Ala288Gly (NM_001407296.1); c.923C>G, p.Ala308Gly (NM_001407297.1, NM_001407298.1, NM_001407299.1 and 3 more transcripts); c.38C>G, p.Ala13Gly (NM_001407304.1, NM_001407305.1, NM_001407306.1 and 5 more transcripts); c.48+5487C>G (NM_001407314.1); c.-104-5154C>G (NM_001407313.1, NM_001407312.1); short protein forms A13G, A288G, A308G.
Identifiers: ClinVar variation 3228047 (VCV003228047.1), dbSNP rs1967009067, ClinGen allele CA395135312.
Genomic context (GRCh38, chr16:23,635,623, plus strand): 5'-GAACATGAAATATTTGCCTCTAAATTAGAACTTGTGGGCAGTTGGCCACTTTTACTTATA[G>C]CTTTATTTACAAGGAGGTTATCTGTAGAGACAGTCATTTTTTTGCCTTGTGCCTCCAAAC-3'
Protein context (NP_078951.2, residues 298-318): VSTDNLLVNK[Ala308Gly]ISKSGQLPTS